The following is an entry in ClinVar:

NM_000091.5(COL4A3):c.546G>T (p.Gln182His)

Genes: COL4A3 (collagen type IV alpha 3 chain; plus strand), MFF-DT (MFF divergent transcript; minus strand). Cytogenetic location: 2q36.3.
Variant type: single nucleotide variant.
Coding change: c.546G>T on transcript NM_000091.5 (MANE Select); coding-DNA position 546, G replaced by T.
Protein change: p.Gln182His; replaces glutamine 182 with histidine.
Molecular consequence: missense variant.
Genome position (GRCh38, 1-based): chr2:227,248,520, G>T. VCF-style: chr2-227248520-G-T. GRCh37 (hg19) VCF-style: chr2-228113236-G-T.
Other names: short protein forms Q182H.
Identifiers: ClinVar variation 4847655 (VCV004847655.1).

ClinVar aggregate classification (germline): Uncertain significance (1 of 4 stars; one submission).

gnomAD v4.1: 1 of 1,609,242 alleles (0.000062%); highest among the groups gnomAD compares: South Asian, 0.0011%; no homozygotes.

Submission:

Women's Health and Genetics/Laboratory Corporation of America, LabCorp
Classification: Uncertain significance. Last evaluated: 2026-03-26. Review status: criteria provided, single submitter. Criteria: LabCorp Variant Classification Summary - May 2015. Collection method: clinical testing. Allele origin: germline.
Comment: Variant summary: COL4A3 c.546G>T (p.Gln182His) results in a non-conservative amino acid change in the encoded protein sequence. Algorithms developed to predict the effect of missense changes on protein structure and function all suggest that this variant is likely to be disruptive. Several computational tools predict a significant impact on normal splicing: Four predict the variant abolishes a 5' splicing donor site. One predicts the variant creates a 3' acceptor site. However, these predictions have yet to be confirmed by functional studies. The variant was absent in 249126 control chromosomes. The available data on variant occurrences in the general population are insufficient to allow any conclusion about variant significance. c.546G>T has been observed in the presumed compound heterozygous state in 1 individual(s) with clinical suspicion of Alport Syndrome, Autosomal Recessive (example, Savige_2017, Storey_2013). These data do not allow any conclusion about variant significance. To our knowledge, no experimental evidence demonstrating an impact on protein function has been reported. The following publications have been ascertained in the context of this evaluation (PMID: 27485810, 24052634). No submitters have cited clinical-significance assessments for this variant to ClinVar. Based on the evidence outlined above, the variant was classified as uncertain significance.

Literature cited by the submitters: PubMed 24052634; PubMed 27485810.